The following is an entry in ClinVar:

NM_020944.3(GBA2):c.1088G>A (p.Trp363Ter)

Gene: GBA2 (glucosylceramidase beta 2; minus strand). Cytogenetic location: 9p13.3.
Variant type: single nucleotide variant.
Coding change: c.1088G>A on transcript NM_020944.3 (MANE Select); coding-DNA position 1088, G replaced by A.
Protein change: p.Trp363Ter; replaces tryptophan 363 with a stop codon.
Molecular consequence: nonsense.
Genome position (GRCh38, 1-based): chr9:35,740,567, C>T on the plus strand (G>A on the coding strand, the complement: GBA2 is on the minus strand). VCF-style: chr9-35740567-C-T. GRCh37 (hg19) VCF-style: chr9-35740564-C-T.
Other names: c.1088G>A, p.Trp363Ter (NM_001330660.2); short protein forms W363*.
Identifiers: ClinVar variation 452553 (VCV000452553.2), dbSNP rs780684206, ClinGen allele CA373415626.

ClinVar aggregate classification (germline): Likely pathogenic (1 of 4 stars; one submission).

Submission:

GeneDx
Classification: Likely pathogenic. Last evaluated: 2017-10-05. Review status: criteria provided, single submitter. Criteria: GeneDx Variant Classification (06012015). Collection method: clinical testing. Allele origin: germline. Affected: yes.
Comment: The W363X variant in the GBA2 gene has not been reported previously as a pathogenic variant nor as a benign variant, to our knowledge. This variant is predicted to cause loss of normal protein function either through protein truncation or nonsense-mediated mRNA decay. The W363X variant is not observed in large population cohorts (Lek et al., 2016). We interpret W363X as a likely pathogenic variant.